The following is an entry in ClinVar:

NM_001267550.2(TTN):c.55627CTC[1] (p.Leu18544del)

Genes: TTN (titin; minus strand), TTN-AS1 (TTN antisense RNA 1; plus strand). Cytogenetic location: 2q31.2.
Variant type: Microsatellite.
Coding change: c.55627CTC[1] on transcript NM_001267550.2 (MANE Select); one copy of the 3-base unit CTC starting at c.55627; the reference has two copies in a row; one copy, 3 bases deleted; also written c.55630_55632del.
Protein change: p.Leu18544del; deletes leucine 18544.
Molecular consequence: inframe deletion. On other transcripts: frameshift variant (2), nonsense (2).
Genome position (GRCh38, 1-based): chr2:178,601,365-178,601,367, GAG deleted on the plus strand (CTC on the coding strand, the reverse complement: TTN is on the minus strand); deleting any 3 consecutive bases within chr2:178,601,365-178,601,370 gives the same sequence; the position shown is the placement nearest the transcript's 3' end. VCF-style (leftmost placement, unchanged base first): chr2-178601364-AGAG-A. GRCh37 (hg19) VCF-style: chr2-179466091-AGAG-A.
Other names: c.50704CTC[1], p.Leu16903del (NM_001256850.1); c.55627_55629CTC[1], p.Leu18544Terfs (NM_001267550.1); c.28432CTC[1], p.Leu9479del (NM_003319.4); c.47923CTC[1], p.Leu15976del (NM_133378.4); c.28807CTC[1], p.Leu9604del (NM_133432.3); c.29008CTC[1], p.Leu9671del (NM_133437.4); c.55630_55632del (NM_001267550.1); short protein forms L15976del, L16903del, L18544del, L9479del, L9604del, L9671del.
Identifiers: ClinVar variation 3253210 (VCV003253210.1), dbSNP rs1304324268.

ClinVar aggregate classification (germline): Uncertain significance (1 of 4 stars; one submission).

Submission:

GeneDx
Classification: Uncertain significance. Last evaluated: 2023-12-11. Review status: criteria provided, single submitter. Criteria: GeneDx Variant Classification Process June 2021. Collection method: clinical testing. Allele origin: germline. Affected: yes.
Comment: Not observed at significant frequency in large population cohorts (gnomAD); In-frame variant in a gene in which most reported pathogenic variants are truncating/loss-of-function; Has not been previously published as pathogenic or benign to our knowledge